The following is an entry in ClinVar:

NM_001271.4(CHD2):c.3895G>T (p.Val1299Leu)

Gene: CHD2 (chromodomain helicase DNA binding protein 2; plus strand). Cytogenetic location: 15q26.1.
Variant type: single nucleotide variant.
Coding change: c.3895G>T on transcript NM_001271.4 (MANE Select); coding-DNA position 3895, G replaced by T.
Protein change: p.Val1299Leu; replaces valine 1299 with leucine.
Molecular consequence: missense variant.
Genome position (GRCh38, 1-based): chr15:92,998,508, G>T. VCF-style: chr15-92998508-G-T. GRCh37 (hg19) VCF-style: chr15-93541738-G-T.
Other names: short protein forms V1299L.
Identifiers: ClinVar variation 4802445 (VCV004802445.1).

ClinVar aggregate classification (germline): Uncertain significance (1 of 4 stars; one submission).

Conditions:
Developmental and epileptic encephalopathy 94 (DEE94). Also called: Epileptic encephalopathy, childhood-onset; CHD2-Related Neurodevelopmental Disorders. Identifiers: Orphanet 1942, Orphanet 2382, MedGen C3809278, MONDO:0014150, OMIM 615369.

Submission:

Labcorp Genetics (formerly Invitae), Labcorp
Classification: Uncertain significance for Developmental and epileptic encephalopathy 94. Last evaluated: 2025-11-23. Review status: criteria provided, single submitter. Criteria: Invitae Variant Classification Sherloc (09022015). Collection method: clinical testing. Allele origin: germline.
Comment: This sequence change replaces valine, which is neutral and non-polar, with leucine, which is neutral and non-polar, at codon 1299 of the CHD2 protein (p.Val1299Leu). This variant is not present in population databases (gnomAD no frequency). This variant has not been reported in the literature in individuals affected with CHD2-related conditions. Invitae Evidence Modeling of protein sequence and biophysical properties (such as structural, functional, and spatial information, amino acid conservation, physicochemical variation, residue mobility, and thermodynamic stability) indicates that this missense variant is not expected to disrupt CHD2 protein function with a negative predictive value of 95%. In summary, the available evidence is currently insufficient to determine the role of this variant in disease. Therefore, it has been classified as a Variant of Uncertain Significance.